The following is an entry in ClinVar:

ClinVar aggregate classification (germline): Uncertain significance (1 of 4 stars; one submission).

Conditions:
Hereditary cancer-predisposing syndrome. Also called: Neoplastic Syndromes, Hereditary; Tumor predisposition; Hereditary neoplastic syndrome; Hereditary Cancer Syndrome. Identifiers: Orphanet 140162, MedGen C0027672, MeSH D009386, MONDO:0015356.

gnomAD v4.1: 1 of 1,614,012 alleles (0.000062%); highest among the groups gnomAD compares: Non-Finnish European, 0.000085%; no homozygotes.

Submission:

Ambry Genetics
Classification: Uncertain significance for Hereditary cancer-predisposing syndrome. Last evaluated: 2024-05-16. Review status: criteria provided, single submitter. Criteria: Ambry Variant Classification Scheme 2023. Collection method: clinical testing. Allele origin: germline.
Comment: The p.A210S variant (also known as c.628G>T), located in coding exon 6 of the TSC2 gene, results from a G to T substitution at nucleotide position 628. The alanine at codon 210 is replaced by serine, an amino acid with similar properties. This amino acid position is conserved. In addition, this alteration is predicted to be tolerated by in silico analysis. Based on the available evidence, the clinical significance of this variant remains unclear.

NM_000548.5(TSC2):c.628G>T (p.Ala210Ser)

Gene: TSC2 (TSC complex subunit 2; plus strand). Cytogenetic location: 16p13.3.
Variant type: single nucleotide variant.
Coding change: c.628G>T on transcript NM_000548.5 (MANE Select); coding-DNA position 628, G replaced by T.
Protein change: p.Ala210Ser; replaces alanine 210 with serine.
Molecular consequence: missense variant. On other transcripts: 5 prime UTR variant (10), non-coding transcript variant (5).
Genome position (GRCh38, 1-based): chr16:2,056,224, G>T. VCF-style: chr16-2056224-G-T. GRCh37 (hg19) VCF-style: chr16-2106225-G-T.
Other names: c.-792G>T (NM_001406696.1); c.-804G>T (NM_001406697.1, NM_001406689.1, NM_001406690.1 and 3 more transcripts); c.-980G>T (NM_001406698.1); c.628G>T, p.Ala210Ser (NM_021055.3, NM_001077183.3, NM_001114382.3 and 8 more transcripts); c.517G>T, p.Ala173Ser (NM_001318827.2, NM_001406670.1, NM_001406678.1); c.481G>T, p.Ala161Ser (NM_001318829.2, NM_001406675.1, NM_001406676.1 and 1 more transcripts); c.28G>T, p.Ala10Ser (NM_001318831.2, NM_001406685.1, NM_001406686.1 and 6 more transcripts); c.661G>T, p.Ala221Ser (NM_001318832.2); and 4 more; short protein forms A56S, A10S, A240S, A173S, A191S, A210S, A221S, A161S.
Identifiers: ClinVar variation 3329466 (VCV003329466.1).